The following is an entry in ClinVar:

ClinVar aggregate classification (germline): Pathogenic (1 of 4 stars; one submission).

Submission:

Labcorp Genetics (formerly Invitae), Labcorp
Classification: Pathogenic. Last evaluated: 2025-10-21. Review status: criteria provided, single submitter. Criteria: Invitae Variant Classification Sherloc (09022015). Collection method: clinical testing. Allele origin: germline.
Comment: This sequence change creates a premature translational stop signal (p.Asn316Lysfs*7) in the PTPN23 gene. It is expected to result in an absent or disrupted protein product. Loss-of-function variants in PTPN23 are known to be pathogenic (PMID: 29090338, 29899372). This variant is not present in population databases (gnomAD no frequency). This variant has not been reported in the literature in individuals affected with PTPN23-related conditions. For these reasons, this variant has been classified as Pathogenic.

Literature cited by the submitters: PubMed 29090338; PubMed 29899372.

NM_015466.4(PTPN23):c.947dup (p.Asn316fs)

Gene: PTPN23 (protein tyrosine phosphatase non-receptor type 23; plus strand). Cytogenetic location: 3p21.31.
Variant type: Duplication.
Coding change: c.947dup on transcript NM_015466.4 (MANE Select); coding-DNA position 947, one base duplicated (A; older notation c.947dupA).
Protein change: p.Asn316fs; shifts the reading frame from asparagine 316.
Molecular consequence: frameshift variant.
Genome position (GRCh38, 1-based): chr3:47,407,528, A duplicated; the last of 2 consecutive A bases (chr3:47,407,527-47,407,528); duplicating either gives the same sequence. VCF-style (leftmost placement, unchanged base first): chr3-47407526-C-CA. GRCh37 (hg19) VCF-style: chr3-47449016-C-CA.
Other names: c.569dup, p.Asn190fs (NM_001304482.2); short protein forms N190fs, N316fs.
Identifiers: ClinVar variation 4716235 (VCV004716235.1).